The following is an entry in ClinVar:

ClinVar aggregate classification (germline): Uncertain significance (1 of 4 stars; one submission).

Allele frequency attached by ClinVar (database versions not stated): gnomAD exomes below 0.00001; gnomAD 0.00002 and 0.00003.
gnomAD v4.1: 4 of 1,613,630 alleles (0.00025%); highest among the groups gnomAD compares: African/African-American, 0.004%; no homozygotes.

Submission:

Labcorp Genetics (formerly Invitae), Labcorp
Classification: Uncertain significance. Last evaluated: 2021-06-01. Review status: criteria provided, single submitter. Criteria: Invitae Variant Classification Sherloc (09022015). Collection method: clinical testing. Allele origin: germline.
Comment: In summary, the available evidence is currently insufficient to determine the role of this variant in disease. Therefore, it has been classified as a Variant of Uncertain Significance. Algorithms developed to predict the effect of missense changes on protein structure and function (SIFT, PolyPhen-2, Align-GVGD) all suggest that this variant is likely to be disruptive, but these predictions have not been confirmed by published functional studies and their clinical significance is uncertain. This variant has not been reported in the literature in individuals with EIF2B1-related conditions. This variant is not present in population databases (ExAC no frequency). This sequence change replaces glutamic acid with aspartic acid at codon 299 of the EIF2B1 protein (p.Glu299Asp). The glutamic acid residue is highly conserved and there is a small physicochemical difference between glutamic acid and aspartic acid.

NM_001414.4(EIF2B1):c.897G>C (p.Glu299Asp)

Genes: EIF2B1 (eukaryotic translation initiation factor 2B subunit alpha; minus strand), LOC126861664 (CDK7 strongly-dependent group 2 enhancer GRCh37_chr12:124105924-124107123; plus strand). Cytogenetic location: 12q24.31.
Variant type: single nucleotide variant.
Coding change: c.897G>C on transcript NM_001414.4 (MANE Select); coding-DNA position 897, G replaced by C.
Protein change: p.Glu299Asp; replaces glutamic acid 299 with aspartic acid.
Molecular consequence: missense variant.
Genome position (GRCh38, 1-based): chr12:123,621,777, C>G on the plus strand (G>C on the coding strand, the complement: EIF2B1 is on the minus strand). VCF-style: chr12-123621777-C-G. GRCh37 (hg19) VCF-style: chr12-124106324-C-G.
Other names: short protein forms E299D.
Identifiers: ClinVar variation 1509586 (VCV001509586.8), dbSNP rs941070709, ClinGen allele CA245155786.